The following is an entry in ClinVar:

NM_000271.5(NPC1):c.2572_2577delinsG (p.Ile858fs)

Gene: NPC1 (NPC intracellular cholesterol transporter 1; minus strand). Cytogenetic location: 18q11.2.
Variant type: Indel.
Coding change: c.2572_2577delinsG on transcript NM_000271.5 (MANE Select); coding-DNA positions 2572 to 2577, ATTGGA replaced by G.
Protein change: p.Ile858fs; shifts the reading frame from isoleucine 858.
Molecular consequence: frameshift variant.
Genome position (GRCh38, 1-based): chr18:23,540,475-23,540,480, TCCAAT replaced by C on the plus strand (ATTGGA replaced by G on the coding strand, the reverse complement: NPC1 is on the minus strand). VCF-style: chr18-23540475-TCCAAT-C. GRCh37 (hg19) VCF-style: chr18-21120439-TCCAAT-C.
Other names: short protein forms I858fs.
Identifiers: ClinVar variation 5015133 (VCV005015133.1).

ClinVar aggregate classification (germline): Pathogenic (1 of 4 stars; one submission).

Conditions:
Niemann-Pick disease, type C1. Also called: NEUROVISCERAL STORAGE DISEASE WITH VERTICAL SUPRANUCLEAR OPHTHALMOPLEGIA; NIEMANN-PICK DISEASE WITH CHOLESTEROL ESTERIFICATION BLOCK; NIEMANN-PICK DISEASE WITHOUT SPHINGOMYELINASE DEFICIENCY; NIEMANN-PICK DISEASE, CHRONIC NEURONOPATHIC FORM; NIEMANN-PICK DISEASE, VARIANT TYPE C1. Identifiers: Orphanet 646, MedGen C3179455, MONDO:0009757, OMIM 257220.

Submission:

Myriad Genetics, Inc.
Classification: Pathogenic for Niemann-Pick disease, type C1. Last evaluated: 2025-10-23. Review status: criteria provided, single submitter. Criteria: Myriad Autosomal Dominant, Autosomal Recessive and X-Linked Classification Criteria (2023). Collection method: clinical testing. Allele origin: unknown.
Comment: NM_000271.4(NPC1):c.2572_2577del6ins1(I858Vfs*10) is expected to be pathogenic in the context of Niemann-Pick disease type C1. This variant is predicted to lead to an abnormal or absent protein product due to the creation of a premature termination codon in NPC1, a gene where loss-of-function variants are known to be pathogenic. Please note: this variant was assessed in the context of healthy population screening.